The following is an entry in ClinVar:

NM_000135.4(FANCA):c.4019C>T (p.Ser1340Phe)

Genes: ZNF276 (zinc finger protein 276; plus strand), FANCA (FA complementation group A; minus strand). Cytogenetic location: 16q24.3.
Variant type: single nucleotide variant.
Coding change: c.4019C>T on transcript NM_000135.4 (MANE Select); coding-DNA position 4019, C replaced by T.
Protein change: p.Ser1340Phe; replaces serine 1340 with phenylalanine.
Molecular consequence: missense variant. On other transcripts: 3 prime UTR variant (2), non-coding transcript variant (4).
Genome position (GRCh38, 1-based): chr16:89,739,281, G>A on the plus strand (C>T on the coding strand, the complement: FANCA is on the minus strand). VCF-style: chr16-89739281-G-A. GRCh37 (hg19) VCF-style: chr16-89805689-G-A.
Other names: c.4019C>T, p.Ser1340Phe (NM_001286167.3); c.*1035G>A (NM_001113525.2, NM_152287.4); short protein forms S1340F.
Identifiers: ClinVar variation 645201 (VCV000645201.10), dbSNP rs112734327, ClinGen allele CA286614744.

ClinVar aggregate classification (germline): Uncertain significance. Review status: criteria provided, multiple submitters, no conflicts (2 of 4 stars). 3 submissions from 3 submitters: Uncertain significance (2). 1 of the submissions does not count toward it. Last evaluated 2025-05-27.

Conditions:
Fanconi anemia complementation group A (FANCA). Also called: FANCA-Related Fanconi Anemia; Fanconi anemia, group A. Identifiers: Orphanet 84, MedGen C3469521, MONDO:0009215, OMIM 227650.
Fanconi anemia (FA). Also called: Fanconi's anemia. Identifiers: Orphanet 84, MedGen C0015625, MeSH D005199, MONDO:0019391.

Allele frequency attached by ClinVar (database versions not stated): gnomAD 0.00001; TOPMed 0.00001.
gnomAD v4.1: 25 of 1,614,006 alleles (0.0015%); highest among the groups gnomAD compares: Non-Finnish European, 0.002%; no homozygotes.

Submissions (3):

Labcorp Genetics (formerly Invitae), Labcorp
Classification: Uncertain significance for Fanconi anemia. Last evaluated: 2025-05-27. Review status: criteria provided, single submitter. Criteria: Invitae Variant Classification Sherloc (09022015). Collection method: clinical testing. Allele origin: germline.
Comment: This sequence change replaces serine, which is neutral and polar, with phenylalanine, which is neutral and non-polar, at codon 1340 of the FANCA protein (p.Ser1340Phe). This variant is present in population databases (rs112734327, gnomAD 0.002%). This variant has not been reported in the literature in individuals affected with FANCA-related conditions. ClinVar contains an entry for this variant (Variation ID: 645201). Invitae Evidence Modeling of protein sequence and biophysical properties (such as structural, functional, and spatial information, amino acid conservation, physicochemical variation, residue mobility, and thermodynamic stability) indicates that this missense variant is not expected to disrupt FANCA protein function with a negative predictive value of 95%. In summary, the available evidence is currently insufficient to determine the role of this variant in disease. Therefore, it has been classified as a Variant of Uncertain Significance.

Fulgent Genetics
Classification: Uncertain significance for Fanconi anemia complementation group A. Last evaluated: 2024-04-29. Review status: criteria provided, single submitter. Criteria: ACMG Guidelines, 2015. Collection method: clinical testing. Allele origin: germline.

Natera, Inc.
Classification: Uncertain significance for Fanconi anemia. Last evaluated: 2020-12-01. Review status: no assertion criteria provided. Collection method: clinical testing. Allele origin: germline. Not counted in ClinVar's aggregate classification.